The following is an entry in ClinVar:

ClinVar aggregate classification (germline): Conflicting classifications of pathogenicity. Review status: criteria provided, conflicting classifications (1 of 4 stars). 8 submissions from 8 submitters: Uncertain significance (5); Benign (1); Likely benign (2). Last evaluated 2026-10-01.

Conditions:
Cardiovascular phenotype. Identifiers: MedGen CN230736.
RASopathy. Also called: Noonan spectrum disorder; rasopathies. Identifiers: Orphanet 536391, MedGen C5555857, MONDO:0021060.
Noonan syndrome-like disorder with loose anagen hair 1 (NSLH1). Also called: MAZZANTI SYNDROME; TOSTI SYNDROME. Identifiers: Orphanet 2701, MedGen C4478716, MONDO:0054637, OMIM 607721.

Allele frequency attached by ClinVar (database versions not stated): ExAC 0.00006; gnomAD 0.00006 and 0.00007; gnomAD exomes 0.00007 and 0.00008; TOPMed 0.00008; 1000 Genomes Project 0.00040; 1000 Genomes Project 30x 0.00047.
gnomAD v4.1: 120 of 1,613,714 alleles (0.0074%); highest among the groups gnomAD compares: Middle Eastern, 0.016%; no homozygotes.

Submissions (8):

St. Jude Molecular Pathology, St. Jude Children's Research Hospital
Classification: Uncertain significance for Noonan syndrome-like disorder with loose anagen hair 1. Last evaluated: 2026-10-01. Review status: criteria provided, single submitter. Criteria: St. Jude Assertion Criteria 2020. Collection method: clinical testing. Allele origin: germline.
Comment: The SHOC2 c.610A>G p.(Ile204Val) missense change has a maximum subpopulation frequency of 0.01% in gnomAD v2.1.1. The in silico tool REVEL predicts a benign effect on prot ein function, but to our knowledge this prediction has not been confirmed by functional studies. To our knowledge, this variant has not been reported in the literature in individuals with SHOC2- associated conditions. In summary, the evidence currently a vailable is insufficient to determine the clinical significance of this variant. It has therefore been classified as of uncertain significance.

Labcorp Genetics (formerly Invitae), Labcorp
Classification: Uncertain significance for RASopathy. Last evaluated: 2025-12-26. Review status: criteria provided, single submitter. Criteria: Invitae Variant Classification Sherloc (09022015). Collection method: clinical testing. Allele origin: germline.
Comment: This sequence change replaces isoleucine, which is neutral and non-polar, with valine, which is neutral and non-polar, at codon 204 of the SHOC2 protein (p.Ile204Val). This variant is present in population databases (rs200015085, gnomAD 0.01%). This missense change has been observed in individual(s) with sudden infant death syndrome (PMID: 28074886). ClinVar contains an entry for this variant (Variation ID: 240838). Invitae Evidence Modeling of protein sequence and biophysical properties (such as structural, functional, and spatial information, amino acid conservation, physicochemical variation, residue mobility, and thermodynamic stability) indicates that this missense variant is not expected to disrupt SHOC2 protein function with a negative predictive value of 80%. In summary, the available evidence is currently insufficient to determine the role of this variant in disease. Therefore, it has been classified as a Variant of Uncertain Significance.

Ambry Genetics
Classification: Uncertain significance for Cardiovascular phenotype. Last evaluated: 2025-05-15. Review status: criteria provided, single submitter. Criteria: Ambry Variant Classification Scheme 2023. Collection method: clinical testing. Allele origin: germline.
Comment: The p.I204V variant (also known as c.610A>G), located in coding exon 1 of the SHOC2 gene, results from an A to G substitution at nucleotide position 610. The isoleucine at codon 204 is replaced by valine, an amino acid with highly similar properties. This amino acid position is highly conserved in available vertebrate species. In addition, this alteration is predicted to be tolerated by in silico analysis. Based on the available evidence, the clinical significance of this variant remains unclear.

Women's Health and Genetics/Laboratory Corporation of America, LabCorp
Classification: Likely benign. Last evaluated: 2025-04-14. Review status: criteria provided, single submitter. Criteria: LabCorp Variant Classification Summary - May 2015. Collection method: clinical testing. Allele origin: germline.
Comment: Variant summary: SHOC2 c.610A>G (p.Ile204Val) results in a conservative amino acid change in the encoded protein sequence. Four of five in-silico tools predict a benign effect of the variant on protein function. The variant allele was found at a frequency of 6.8e-05 in 250862 control chromosomes. The observed variant frequency is approximately 2.71 fold of the estimated maximal expected allele frequency for a pathogenic variant in SHOC2 causing Noonan Syndrome And Related Conditions phenotype (2.5e-05). c.610A>G has been reported in the literature in an individual affected with SIDS (Naubauer_2017). This report does not provide unequivocal conclusions about association of the variant with Noonan Syndrome and Related Conditions. To our knowledge, no experimental evidence demonstrating an impact on protein function has been reported. The following publication has been ascertained in the context of this evaluation (PMID: 28074886). ClinVar contains an entry for this variant (Variation ID: 240838). Based on the evidence outlined above, the variant was classified as likely benign.

Blueprint Genetics
Classification: Likely benign. Last evaluated: 2019-11-06. Review status: criteria provided, single submitter. Criteria: ACMG Guidelines, 2015. Collection method: clinical testing. Allele origin: germline.

Illumina Laboratory Services, Illumina
Classification: Benign for Noonan syndrome-like disorder with loose anagen hair 1. Last evaluated: 2018-01-13. Review status: criteria provided, single submitter. Criteria: ICSL Variant Classification Criteria 13 December 2019. Collection method: clinical testing. Allele origin: germline.
Comment: This variant was observed in the ICSL laboratory as part of a predisposition screen in an ostensibly healthy population. It had not been previously curated by ICSL or reported in the Human Gene Mutation Database (HGMD: prior to June 1st, 2018), and was therefore a candidate for classification through an automated scoring system. Utilizing variant allele frequency, disease prevalence and penetrance estimates, and inheritance mode, an automated score was calculated to assess if this variant is too frequent to cause the disease. Based on the score and internal cut-off values, a variant classified as benign is not then subjected to further curation. The score for this variant resulted in a classification of benign for this disease.

GeneDx
Classification: Uncertain significance. Last evaluated: 2017-04-03. Review status: criteria provided, single submitter. Criteria: GeneDx Variant Classification (06012015). Collection method: clinical testing. Allele origin: germline. Affected: yes.
Comment: The I204V variant has not been published as a pathogenic variant, nor has it been reported as a benign variant to our knowledge. The variant is observed in 2/10232 (0.02%) alleles from individuals of African background in the ExAC dataset (Lek et al., 2016). I204V is a conservative amino acid substitution, which is not likely to impact secondary protein structure as these residues share similar properties. This substitution occurs at a position where amino acids with similar properties to Isoleucine are tolerated across species. In silico analysis is inconsistent in its predictions as to whether or not the variant is damaging to the protein structure/function. In summary, based on the currently available information, it is unclear whether this variant is a pathogenic variant or a rare benign variant.

Stanford Center for Inherited Cardiovascular Disease, Stanford University
Classification: Uncertain significance. Last evaluated: 2016-03-02. Review status: criteria provided, single submitter. Criteria: ACMG Guidelines, 2015. Collection method: provider interpretation. Allele origin: germline.

Literature cited by the submitters: PubMed 28074886 (cited by Labcorp Genetics (formerly Invitae), Labcorp and Women's Health and Genetics/Laboratory Corporation of America, LabCorp).

NM_007373.4(SHOC2):c.610A>G (p.Ile204Val)

Gene: SHOC2 (SHOC2 leucine rich repeat scaffold protein; plus strand). Cytogenetic location: 10q25.2.
Variant type: single nucleotide variant.
Coding change: c.610A>G on transcript NM_007373.4 (MANE Select); coding-DNA position 610, A replaced by G.
Protein change: p.Ile204Val; replaces isoleucine 204 with valine.
Molecular consequence: missense variant.
Genome position (GRCh38, 1-based): chr10:110,964,968, A>G. VCF-style: chr10-110964968-A-G. GRCh37 (hg19) VCF-style: chr10-112724726-A-G.
Other names: c.610A>G, p.Ile204Val (NM_001269039.3, NM_001324336.2, NM_001324337.2); short protein forms I204V.
Identifiers: ClinVar variation 240838 (VCV000240838.19), dbSNP rs200015085, ClinGen allele CA5689600.